The following is an entry in ClinVar:

ClinVar aggregate classification (germline): Uncertain significance. Review status: criteria provided, multiple submitters, no conflicts (2 of 4 stars). 2 submissions from 2 submitters: Uncertain significance (2). Last evaluated 2025-11-04.

Conditions:
Inborn genetic diseases. Identifiers: MedGen C0950123, MeSH D030342.

gnomAD v4.1: 47 of 1,613,814 alleles (0.0029%); highest among the groups gnomAD compares: Non-Finnish European, 0.004%; no homozygotes.

Submissions (2):

Labcorp Genetics (formerly Invitae), Labcorp
Classification: Uncertain significance. Last evaluated: 2025-11-04. Review status: criteria provided, single submitter. Criteria: Invitae Variant Classification Sherloc (09022015). Collection method: clinical testing. Allele origin: germline.
Comment: This sequence change replaces arginine, which is basic and polar, with cysteine, which is neutral and slightly polar, at codon 174 of the DCHS1 protein (p.Arg174Cys). This variant is present in population databases (rs775548805, gnomAD 0.002%). This variant has not been reported in the literature in individuals affected with DCHS1-related conditions. ClinVar contains an entry for this variant (Variation ID: 1941444). Invitae Evidence Modeling of protein sequence and biophysical properties (such as structural, functional, and spatial information, amino acid conservation, physicochemical variation, residue mobility, and thermodynamic stability) indicates that this missense variant is not expected to disrupt DCHS1 protein function with a negative predictive value of 95%. In summary, the available evidence is currently insufficient to determine the role of this variant in disease. Therefore, it has been classified as a Variant of Uncertain Significance.

Ambry Genetics
Classification: Uncertain significance for Inborn genetic diseases. Last evaluated: 2025-08-13. Review status: criteria provided, single submitter. Criteria: Ambry Variant Classification Scheme 2023. Collection method: clinical testing. Allele origin: germline.

NM_003737.4(DCHS1):c.520C>T (p.Arg174Cys)

Gene: DCHS1 (dachsous cadherin-related 1; minus strand). Cytogenetic location: 11p15.4.
Variant type: single nucleotide variant.
Coding change: c.520C>T on transcript NM_003737.4 (MANE Select); coding-DNA position 520, C replaced by T.
Protein change: p.Arg174Cys; replaces arginine 174 with cysteine.
Molecular consequence: missense variant.
Genome position (GRCh38, 1-based): chr11:6,641,094, G>A on the plus strand (C>T on the coding strand, the complement: DCHS1 is on the minus strand). VCF-style: chr11-6641094-G-A. GRCh37 (hg19) VCF-style: chr11-6662325-G-A.
Other names: c.520C>T (NM_003737.2); short protein forms R174C.
Identifiers: ClinVar variation 1941444 (VCV001941444.6), dbSNP rs775548805, ClinGen allele CA5861142.